The following is an entry in ClinVar:

NM_000057.4(BLM):c.760G>A (p.Glu254Lys)

Gene: BLM (BLM RecQ like helicase; plus strand). Cytogenetic location: 15q26.1.
Variant type: single nucleotide variant.
Coding change: c.760G>A on transcript NM_000057.4 (MANE Select); coding-DNA position 760, G replaced by A.
Protein change: p.Glu254Lys; replaces glutamic acid 254 with lysine.
Molecular consequence: missense variant. On other transcripts: 5 prime UTR variant (1).
Genome position (GRCh38, 1-based): chr15:90,750,028, G>A. VCF-style: chr15-90750028-G-A. GRCh37 (hg19) VCF-style: chr15-91293258-G-A.
Other names: c.760G>A, p.Glu254Lys (NM_001287246.2, NM_001287247.2); c.-532G>A (NM_001287248.2); short protein forms E254K.
Identifiers: ClinVar variation 3261025 (VCV003261025.3).

ClinVar aggregate classification (germline): Uncertain significance. Review status: criteria provided, multiple submitters, no conflicts (2 of 4 stars). 2 submissions from 2 submitters: Uncertain significance (2). Last evaluated 2024-10-10.

Conditions:
Hereditary cancer-predisposing syndrome. Also called: Hereditary Cancer Syndrome; Tumor predisposition; Hereditary neoplastic syndrome; Neoplastic Syndromes, Hereditary. Identifiers: Orphanet 140162, MedGen C0027672, MeSH D009386, MONDO:0015356.
Bloom syndrome (BLM). Also called: Bloom-Torre-Machacek syndrome. Identifiers: Orphanet 125, MedGen C0005859, MONDO:0008876, OMIM 210900.

gnomAD v4.1: 1 of 1,614,156 alleles (0.000062%); highest among the groups gnomAD compares: East Asian, 0.0022%; no homozygotes.

Submissions (2):

Labcorp Genetics (formerly Invitae), Labcorp
Classification: Uncertain significance for Bloom syndrome. Last evaluated: 2024-10-10. Review status: criteria provided, single submitter. Criteria: Invitae Variant Classification Sherloc (09022015). Collection method: clinical testing. Allele origin: germline.
Comment: This sequence change replaces glutamic acid, which is acidic and polar, with lysine, which is basic and polar, at codon 254 of the BLM protein (p.Glu254Lys). This variant is present in population databases (rs181892828, gnomAD 0.006%). This variant has not been reported in the literature in individuals affected with BLM-related conditions. An algorithm developed to predict the effect of missense changes on protein structure and function (PolyPhen-2) suggests that this variant is likely to be disruptive. In summary, the available evidence is currently insufficient to determine the role of this variant in disease. Therefore, it has been classified as a Variant of Uncertain Significance.

Ambry Genetics
Classification: Uncertain significance for Hereditary cancer-predisposing syndrome. Last evaluated: 2024-04-07. Review status: criteria provided, single submitter. Criteria: Ambry Variant Classification Scheme 2023. Collection method: clinical testing. Allele origin: germline.
Comment: The p.E254K variant (also known as c.760G>A), located in coding exon 2 of the BLM gene, results from a G to A substitution at nucleotide position 760. The glutamic acid at codon 254 is replaced by lysine, an amino acid with similar properties. This amino acid position is conserved. In addition, this alteration is predicted to be tolerated by in silico analysis. Based on the available evidence, the clinical significance of this variant remains unclear.